The following is an entry in ClinVar:

NM_000539.3(RHO):c.1019C>T (p.Thr340Met)

Gene: RHO (rhodopsin; plus strand). Cytogenetic location: 3q22.1.
Variant type: single nucleotide variant.
Coding change: c.1019C>T on transcript NM_000539.3 (MANE Select); coding-DNA position 1019, C replaced by T.
Protein change: p.Thr340Met; replaces threonine 340 with methionine.
Molecular consequence: missense variant.
Genome position (GRCh38, 1-based): chr3:129,533,690, C>T. VCF-style: chr3-129533690-C-T. GRCh37 (hg19) VCF-style: chr3-129252533-C-T.
Other names: short protein forms T340M.
Identifiers: ClinVar variation 937741 (VCV000937741.13), dbSNP rs148748781, ClinGen allele CA2607362.
Genomic context (GRCh38, chr3:129,533,690, plus strand): 5'-CCATCTGCTGCGGCAAGAACCCACTGGGTGACGATGAGGCCTCTGCTACCGTGTCCAAGA[C>T]GGAGACGAGCCAGGTGGCCCCGGCCTAAGACCTGCCTAGGACTCTGTGGCCGACTATAGG-3'
Protein context (NP_000530.1, residues 330-348): DDEASATVSK[Thr340Met]ETSQVAPA

ClinVar aggregate classification (germline): Conflicting classifications of pathogenicity. Review status: criteria provided, conflicting classifications (1 of 4 stars). 5 submissions from 5 submitters: Uncertain significance (3); Benign (1); Likely benign (1). Last evaluated 2026-09-14.

Conditions:
RHO-related disorder. Also called: RHO-related condition.
Retinal dystrophy. Also called: Inherited retinal dystrophy. Identifiers: Orphanet 71862, MedGen C0854723, MeSH D058499, MONDO:0019118, HP:0000556.

Allele frequency attached by ClinVar (database versions not stated): ExAC 0.00010; gnomAD exomes 0.00011 and 0.00023; TOPMed 0.00013; gnomAD 0.00014 and 0.00015; ESP Exome Variant Server 0.00015.

Submissions (5):

PreventionGenetics, part of Exact Sciences
Classification: Uncertain significance for RHO-related condition. Last evaluated: 2026-09-14. Review status: criteria provided, single submitter. Criteria: ACMG Guidelines, 2015. Collection method: clinical testing. Allele origin: germline.
Comment: The RHO c.1019C>T variant is predicted to result in the amino acid substitution p.Thr340Met. This variant has been reported in both individuals with retinitis pigmentosa and in control individuals (Clark et al. 2010. PubMed ID: 20591486; Luo et al. 2020. PubMed ID: 33347869). This variant is present in 0.020% of alleles in individuals of European (Non-Finnish) descent in gnomAD, which may be too common to be a rarely reported cause of autosomal dominant disease. Although we suspect that this variant may be benign, at this time, the clinical significance of this variant is uncertain due to the absence of conclusive functional and genetic evidence.

Labcorp Genetics (formerly Invitae), Labcorp
Classification: Likely benign. Last evaluated: 2025-12-26. Review status: criteria provided, single submitter. Criteria: Invitae Variant Classification Sherloc (09022015). Collection method: clinical testing. Allele origin: germline.

Blueprint Genetics
Classification: Uncertain significance. Last evaluated: 2024-08-05. Review status: criteria provided, single submitter. Criteria: ACMG Guidelines, 2015. Collection method: clinical testing. Allele origin: germline.

Dept Of Ophthalmology, Nagoya University
Classification: Benign for Retinal dystrophy. Last evaluated: 2023-10-01. Review status: criteria provided, single submitter. Criteria: Submitter's publication. Collection method: research. Allele origin: germline. Affected: yes.

Institute of Human Genetics, Univ. Regensburg, Univ. Regensburg
Classification: Uncertain significance for Retinal dystrophy. Last evaluated: 2019-01-01. Review status: criteria provided, single submitter. Criteria: ACMG Guidelines, 2015. Collection method: clinical testing. Allele origin: germline. Affected: yes.

Literature cited by the submitters: PubMed 20591486 (cited by Institute of Human Genetics, Univ. Regensburg, Univ. Regensburg); PubMed 30977563 (cited by Institute of Human Genetics, Univ. Regensburg, Univ. Regensburg); PubMed 33347869 (cited by Institute of Human Genetics, Univ. Regensburg, Univ. Regensburg).